The following is an entry in ClinVar:

NM_024301.5(FKRP):c.491A>G (p.Asn164Ser)

Gene: FKRP (fukutin related protein; plus strand). Cytogenetic location: 19q13.32.
Variant type: single nucleotide variant.
Coding change: c.491A>G on transcript NM_024301.5 (MANE Select); coding-DNA position 491, A replaced by G.
Protein change: p.Asn164Ser; replaces asparagine 164 with serine.
Molecular consequence: missense variant.
Genome position (GRCh38, 1-based): chr19:46,755,941, A>G. VCF-style: chr19-46755941-A-G. GRCh37 (hg19) VCF-style: chr19-47259198-A-G.
Other names: c.491A>G, p.Asn164Ser (NM_001039885.3); short protein forms N164S.
Identifiers: ClinVar variation 858183 (VCV000858183.8), dbSNP rs1008630400, ClinGen allele CA309099314.
Genomic context (GRCh38, chr19:46,755,941, plus strand): 5'-TGGTGGAGGCGCTCCGCGCAGGAAGCGCACGTCTGGTGGCCGCCCCGGTTGCCACGGCCA[A>G]CCCTGCCAGGTGCCTGGCCCTGAACGTCAGCCTGCGAGAGTGGACCGCCCGCTATGGCGC-3'
Protein context (NP_077277.1, residues 154-174): RLVAAPVATA[Asn164Ser]PARCLALNVS

ClinVar aggregate classification (germline): Uncertain significance. Review status: criteria provided, single submitter (1 of 4 stars). 2 submissions from 2 submitters: Uncertain significance (1). 1 of the submissions does not count toward it. Last evaluated 2022-03-23.

Conditions:
Autosomal recessive limb-girdle muscular dystrophy type 2I. Also called: MUSCULAR DYSTROPHY-DYSTROGLYCANOPATHY, LIMB-GIRDLE, FRKP-RELATED; MUSCULAR DYSTROPHY, LIMB-GIRDLE, TYPE 2I; MUSCULAR DYSTROPHY-DYSTROGLYCANOPATHY (LIMB-GIRDLE), TYPE C, 5. Identifiers: Orphanet 34515, MedGen C1846672, MONDO:0011787, OMIM 607155.
Walker-Warburg congenital muscular dystrophy. Also called: Muscular dystrophy-dystroglycanopathy, type A; Walker-Warburg syndrome. Identifiers: Orphanet 899, MedGen C0265221, MONDO:0000171.

Allele frequency attached by ClinVar (database versions not stated): gnomAD exomes below 0.00001.
gnomAD v4.1: 2 of 1,533,666 alleles (0.00013%); highest among the groups gnomAD compares: Non-Finnish European, 0.00017%; no homozygotes.

Submissions (2):

Labcorp Genetics (formerly Invitae), Labcorp
Classification: Uncertain significance for Walker-Warburg congenital muscular dystrophy. Last evaluated: 2022-03-23. Review status: criteria provided, single submitter. Criteria: Invitae Variant Classification Sherloc (09022015). Collection method: clinical testing. Allele origin: germline.
Comment: This sequence change replaces asparagine, which is neutral and polar, with serine, which is neutral and polar, at codon 164 of the FKRP protein (p.Asn164Ser). This variant is not present in population databases (gnomAD no frequency). This variant has not been reported in the literature in individuals affected with FKRP-related conditions. ClinVar contains an entry for this variant (Variation ID: 858183). Algorithms developed to predict the effect of missense changes on protein structure and function (SIFT, PolyPhen-2, Align-GVGD) all suggest that this variant is likely to be tolerated. Algorithms developed to predict the effect of sequence changes on RNA splicing suggest that this variant may create or strengthen a splice site. In summary, the available evidence is currently insufficient to determine the role of this variant in disease. Therefore, it has been classified as a Variant of Uncertain Significance.

Natera, Inc.
Classification: Uncertain significance for Limb-girdle muscular dystrophy type 2I. Last evaluated: 2020-08-20. Review status: no assertion criteria provided. Collection method: clinical testing. Allele origin: germline. Not counted in ClinVar's aggregate classification.